The following is an entry in ClinVar:

ClinVar aggregate classification (germline): Uncertain significance (1 of 4 stars; one submission).

Conditions:
Hereditary cancer-predisposing syndrome. Also called: Hereditary Cancer Syndrome; Neoplastic Syndromes, Hereditary; Tumor predisposition; Hereditary neoplastic syndrome. Identifiers: Orphanet 140162, MedGen C0027672, MeSH D009386, MONDO:0015356.

Submission:

Ambry Genetics
Classification: Uncertain significance for Hereditary cancer-predisposing syndrome. Last evaluated: 2016-03-17. Review status: criteria provided, single submitter. Criteria: Ambry Variant Classification Scheme 2023. Collection method: clinical testing. Allele origin: germline.
Comment: The c.3817_3822delAATGAA variant (also known as p.N1273_E1274del) is located in coding exon 9 of the MSH6 gene. This variant results from an in-frame deletion of 6 nucleotides at positions 3817 to 3822, causing the removal of 2 highly-conserved amino acids at codons 1273 and 1274. This variant was not reported in population based cohorts in the following databases: Database of Single Nucleotide Polymorphisms (dbSNP), NHLBI Exome Sequencing Project (ESP), and 1000 Genomes Project. In the ESP, this variant was not observed in 6503 samples (13006 alleles) with coverage at this position. To date, this alteration has been detected with an allele frequency of approximately 0.001% (greater than 115000 alleles tested) in our clinical cohort. Since supporting evidence is limited at this time, the clinical significance of this alteration remains unclear.

NM_000179.3(MSH6):c.3817_3822del (p.Asn1273_Glu1274del)

Gene: MSH6 (mutS homolog 6; plus strand). Cytogenetic location: 2p16.3.
Variant type: Deletion.
Coding change: c.3817_3822del on transcript NM_000179.3 (MANE Select); coding-DNA positions 3817 to 3822, 6 bases deleted (AATGAA; older notation c.3817_3822delAATGAA).
Protein change: p.Asn1273_Glu1274del.
Molecular consequence: inframe deletion.
Genome position (GRCh38, 1-based): chr2:47,806,467-47,806,472, AATGAA deleted; deleting any 6 consecutive bases within chr2:47,806,464-47,806,472 gives the same sequence; the c. name uses the placement nearest the transcript's 3' end. VCF-style (leftmost placement, unchanged base first): chr2-47806463-AGAAAAT-A. GRCh37 (hg19) VCF-style: chr2-48033602-AGAAAAT-A.
Other names: c.3427_3432del, p.Asn1143_Glu1144del (NM_001281492.2); c.2911_2916del, p.Asn971_Glu972del (NM_001281493.2, NM_001281494.2); c.3817_3822delAATGAA (NM_000179.2).
Identifiers: ClinVar variation 479896 (VCV000479896.5), dbSNP rs1553333314, ClinGen allele CA658655745.